The following is an entry in ClinVar:

NM_173523.2(MAGEB6):c.243A>G (p.Lys81=)

Gene: MAGEB6 (MAGE family member B6; plus strand). Cytogenetic location: Xp21.3.
Variant type: single nucleotide variant.
Coding change: c.243A>G on transcript NM_173523.2 (MANE Select); coding-DNA position 243, A replaced by G.
Protein change: p.Lys81=; no amino-acid change (lysine 81 retained).
Molecular consequence: synonymous variant.
Genome position (GRCh38, 1-based): chrX:26,194,089, A>G. VCF-style: chrX-26194089-A-G. GRCh37 (hg19) VCF-style: chrX-26212206-A-G.
Identifiers: ClinVar variation 2660206 (VCV002660206.24), dbSNP rs150480550, ClinGen allele CA10374330.

ClinVar aggregate classification (germline): Likely benign (1 of 4 stars; one submission).

Allele frequency attached by ClinVar (database versions not stated): gnomAD exomes 0.00009; ExAC 0.00022; gnomAD 0.00083; TOPMed 0.00087; ESP Exome Variant Server 0.00104; 1000 Genomes Project 0.00106.
gnomAD v4.1: 200 of 1,209,130 alleles (0.017%); highest among the groups gnomAD compares: African/African-American, 0.31%; 1 homozygote.

Submission:

CeGaT Center for Human Genetics Tuebingen
Classification: Likely benign. Last evaluated: 2022-09-01. Review status: criteria provided, single submitter. Criteria: CeGaT Center For Human Genetics Tuebingen Variant Classification Criteria Version 2. Collection method: clinical testing. Allele origin: germline. Affected: yes. Observed: 1 variant allele.
Comment: MAGEB6: BP4, BP7